The following is an entry in ClinVar:

ClinVar aggregate classification (germline): Uncertain significance (1 of 4 stars; one submission).

Conditions:
Leigh syndrome (NULS). Also called: Leigh's necrotizing encephalopathy; Leigh's disease; Leigh Syndrome (mtDNA deletion); Leigh Disease; Subacute necrotizing encephalopathy; Necrotizing encephalopathy infantile subacute of Leigh. Identifiers: Orphanet 506, MedGen C2931891, MONDO:0009723, OMIM 256000.

Submission:

Wong Mito Lab, Molecular and Human Genetics, Baylor College of Medicine
Classification: Uncertain significance for Leigh syndrome. Last evaluated: 2019-10-17. Review status: criteria provided, single submitter. Criteria: Modified ACMG Guidelines (Unpublished). Collection method: clinical testing. Allele origin: germline.
Comment: The NC_012920.1:m.4247T>C (YP_003024026.1:p.Ile314Thr) variant in MTND1 gene is interpretated to be a Uncertain Significance variant based on the modified ACMG guidelines (unpublished). This variant meets the following evidence codes: BP4

Literature cited by the submitters: PubMed 14681830.

NC_012920.1(MT-ND1):m.4247T>C

Gene: MT-ND1 (mitochondrially encoded NADH dehydrogenase 1; plus strand).
Variant type: single nucleotide variant.
Genome position: chrM-4247-T-C.
Identifiers: ClinVar variation 692443 (VCV000692443.1), dbSNP rs1603219376, ClinGen allele CA414774512.
Genomic context (GRCh38, chrMT:4,247, plus strand): 5'-TACCACTCACCCTAGCATTACTTATATGATATGTCTCCATACCCATTACAATCTCCAGCA[T>C]TCCCCCTCAAACCTAAGAAATATGTCTGATAAAAGAGTTACTTTGATAGAGTAAATAATA-3'